The following is an entry in ClinVar:

ClinVar aggregate classification (germline): Likely benign (0 of 4 stars; one submission).

Conditions:
IQGAP3-related disorder. Also called: IQGAP3-related condition.

Allele frequency attached by ClinVar (database versions not stated): ESP Exome Variant Server 0.00046; ExAC 0.00074; gnomAD 0.00095; 1000 Genomes Project 30x 0.00125; 1000 Genomes Project 0.00160; TOPMed 0.00163.
gnomAD v4.1: 925 of 1,613,154 alleles (0.057%); highest among the groups gnomAD compares: Admixed American, 0.16%; 2 homozygotes.

Submission:

PreventionGenetics, part of Exact Sciences
Classification: Likely benign for IQGAP3-related condition. Last evaluated: 2019-06-24. Review status: no assertion criteria provided. Collection method: clinical testing. Allele origin: germline.
Comment: This variant is classified as likely benign based on ACMG/AMP sequence variant interpretation guidelines (Richards et al. 2015 PMID: 25741868, with internal and published modifications).

NM_178229.5(IQGAP3):c.528G>A (p.Ala176=)

Gene: IQGAP3 (IQ motif containing GTPase activating protein 3; minus strand). Cytogenetic location: 1q22.
Variant type: single nucleotide variant.
Coding change: c.528G>A on transcript NM_178229.5 (MANE Select); coding-DNA position 528, G replaced by A.
Protein change: p.Ala176=; no amino-acid change (alanine 176 retained).
Molecular consequence: synonymous variant.
Genome position (GRCh38, 1-based): chr1:156,563,644, C>T on the plus strand (G>A on the coding strand, the complement: IQGAP3 is on the minus strand). VCF-style: chr1-156563644-C-T. GRCh37 (hg19) VCF-style: chr1-156533436-C-T.
Identifiers: ClinVar variation 3037707 (VCV003037707.2), dbSNP rs139934499, ClinGen allele CA1161932.